The following is an entry in ClinVar:

ClinVar aggregate classification (germline): Uncertain significance (1 of 4 stars; one submission).

Conditions:
Idiopathic generalized epilepsy. Also called: Generalised epilepsy; EIG. Identifiers: MedGen C0270850, MONDO:0005579, OMIM 600669.
Hyperaldosteronism, familial, type IV (HALD4). Also called: FH IV; ALDOSTERONISM, PRIMARY, AND HYPERTENSION. Identifiers: Orphanet 642671, MedGen C4310756, MONDO:0014875, OMIM 617027.

Allele frequency attached by ClinVar (database versions not stated): TOPMed 0.00002.
gnomAD v4.1: 6 of 1,451,072 alleles (0.00041%); highest among the groups gnomAD compares: Admixed American, 0.0024%; no homozygotes.

Submission:

Labcorp Genetics (formerly Invitae), Labcorp
Classification: Uncertain significance for Idiopathic generalized epilepsy; Hyperaldosteronism, familial, type IV. Last evaluated: 2024-11-05. Review status: criteria provided, single submitter. Criteria: Invitae Variant Classification Sherloc (09022015). Collection method: clinical testing. Allele origin: germline.
Comment: This sequence change replaces proline, which is neutral and non-polar, with leucine, which is neutral and non-polar, at codon 54 of the CACNA1H protein (p.Pro54Leu). This variant is not present in population databases (gnomAD no frequency). This variant has not been reported in the literature in individuals affected with CACNA1H-related conditions. ClinVar contains an entry for this variant (Variation ID: 1933253). Invitae Evidence Modeling of protein sequence and biophysical properties (such as structural, functional, and spatial information, amino acid conservation, physicochemical variation, residue mobility, and thermodynamic stability) indicates that this missense variant is not expected to disrupt CACNA1H protein function with a negative predictive value of 95%. In summary, the available evidence is currently insufficient to determine the role of this variant in disease. Therefore, it has been classified as a Variant of Uncertain Significance.

NM_021098.3(CACNA1H):c.161C>T (p.Pro54Leu)

Gene: CACNA1H (calcium voltage-gated channel subunit alpha1 H; plus strand). Cytogenetic location: 16p13.3.
Variant type: single nucleotide variant.
Coding change: c.161C>T on transcript NM_021098.3 (MANE Select); coding-DNA position 161, C replaced by T.
Protein change: p.Pro54Leu; replaces proline 54 with leucine.
Molecular consequence: missense variant.
Genome position (GRCh38, 1-based): chr16:1,153,898, C>T. VCF-style: chr16-1153898-C-T. GRCh37 (hg19) VCF-style: chr16-1203898-C-T.
Other names: c.161C>T, p.Pro54Leu (NM_001005407.2); short protein forms P54L.
Identifiers: ClinVar variation 1933253 (VCV001933253.5), dbSNP rs1394908847, ClinGen allele CA394145717.